The following is an entry in ClinVar:

ClinVar aggregate classification (germline): Uncertain significance. Review status: criteria provided, multiple submitters, no conflicts (2 of 4 stars). 2 submissions from 2 submitters: Uncertain significance (2). Last evaluated 2025-09-16.

Conditions:
Hypertrophic cardiomyopathy. Also called: HYPERTROPHIC MYOCARDIOPATHY. Identifiers: Orphanet 217569, MedGen C0007194, MeSH D002312, MONDO:0005045, HP:0001639.
Cardiovascular phenotype. Identifiers: MedGen CN230736.

Submissions (2):

Ambry Genetics
Classification: Uncertain significance for Cardiovascular phenotype. Last evaluated: 2025-09-16. Review status: criteria provided, single submitter. Criteria: Ambry Variant Classification Scheme 2023. Collection method: clinical testing. Allele origin: germline.
Comment: The p.R1289P variant (also known as c.3866G>C), located in coding exon 27 of the MYH7 gene, results from a G to C substitution at nucleotide position 3866. The arginine at codon 1289 is replaced by proline, an amino acid with dissimilar properties. This variant was reported in individual(s) with features consistent with cardiomyopathy (Bagnall RD et al. Circ Genom Precis Med, 2022 Dec;15:e003686). This amino acid position is highly conserved in available vertebrate species. In addition, this alteration is predicted to be deleterious by in silico analysis. Based on the available evidence, the clinical significance of this variant remains unclear.

Labcorp Genetics (formerly Invitae), Labcorp
Classification: Uncertain significance for Hypertrophic cardiomyopathy. Last evaluated: 2023-07-28. Review status: criteria provided, single submitter. Criteria: Invitae Variant Classification Sherloc (09022015). Collection method: clinical testing. Allele origin: germline.
Comment: Advanced modeling of protein sequence and biophysical properties (such as structural, functional, and spatial information, amino acid conservation, physicochemical variation, residue mobility, and thermodynamic stability) performed at Invitae indicates that this missense variant is expected to disrupt MYH7 protein function. In summary, the available evidence is currently insufficient to determine the role of this variant in disease. Therefore, it has been classified as a Variant of Uncertain Significance. This variant has not been reported in the literature in individuals affected with MYH7-related conditions. This variant is not present in population databases (gnomAD no frequency). This sequence change replaces arginine, which is basic and polar, with proline, which is neutral and non-polar, at codon 1289 of the MYH7 protein (p.Arg1289Pro).

Literature cited by the submitters: PubMed 36252119 (cited by Ambry Genetics).

NM_000257.4(MYH7):c.3866G>C (p.Arg1289Pro)

Gene: MYH7 (myosin heavy chain 7; minus strand). Cytogenetic location: 14q11.2.
Variant type: single nucleotide variant.
Coding change: c.3866G>C on transcript NM_000257.4 (MANE Select); coding-DNA position 3866, G replaced by C.
Protein change: p.Arg1289Pro; replaces arginine 1289 with proline.
Molecular consequence: missense variant.
Genome position (GRCh38, 1-based): chr14:23,419,283, C>G on the plus strand (G>C on the coding strand, the complement: MYH7 is on the minus strand). VCF-style: chr14-23419283-C-G. GRCh37 (hg19) VCF-style: chr14-23888492-C-G.
Other names: c.3866G>C, p.Arg1289Pro (NM_001407004.1); short protein forms R1289P.
Identifiers: ClinVar variation 2747535 (VCV002747535.4), dbSNP rs1287612987, ClinGen allele CA389041777.